The following is an entry in ClinVar:

ClinVar aggregate classification (germline): Conflicting classifications of pathogenicity. Review status: criteria provided, conflicting classifications (1 of 4 stars). 3 submissions from 3 submitters: Likely pathogenic (1); Uncertain significance (2). Last evaluated 2024-12-17.

Conditions:
Familial hypokalemia-hypomagnesemia (GTLMNS). Also called: HYPOMAGNESEMIA-HYPOKALEMIA, PRIMARY RENOTUBULAR, WITH HYPOCALCIURIA; POTASSIUM AND MAGNESIUM DEPLETION; gitelman syndrome. Identifiers: Orphanet 358, MedGen C0268450, MONDO:0009904, OMIM 263800.

Allele frequency attached by ClinVar (database versions not stated): TOPMed 0.00002; gnomAD 0.00003; ExAC 0.00005.
gnomAD v4.1: 40 of 1,578,628 alleles (0.0025%); highest among the groups gnomAD compares: Middle Eastern, 0.066%; 1 homozygote.

Submissions (3):

GeneDx
Classification: Uncertain significance. Last evaluated: 2024-12-17. Review status: criteria provided, single submitter. Criteria: GeneDx Variant Classification Process June 2021. Collection method: clinical testing. Allele origin: germline. Affected: yes.
Comment: Not observed at significant frequency in large population cohorts (gnomAD); In silico analysis supports a deleterious effect on splicing; Has not been previously published as pathogenic or benign to our knowledge

Labcorp Genetics (formerly Invitae), Labcorp
Classification: Uncertain significance. Last evaluated: 2024-06-29. Review status: criteria provided, single submitter. Criteria: Invitae Variant Classification Sherloc (09022015). Collection method: clinical testing. Allele origin: germline.
Comment: This sequence change falls in intron 21 of the SLC12A3 gene. It does not directly change the encoded amino acid sequence of the SLC12A3 protein. This variant is present in population databases (rs774278391, gnomAD 0.007%). This variant has not been reported in the literature in individuals affected with SLC12A3-related conditions. ClinVar contains an entry for this variant (Variation ID: 2502436). Algorithms developed to predict the effect of sequence changes on RNA splicing suggest that this variant may disrupt the consensus splice site. In summary, the available evidence is currently insufficient to determine the role of this variant in disease. Therefore, it has been classified as a Variant of Uncertain Significance.

Department Of Obstetrics And Gynecology, Genetic And Prenatal Diagnosis Center
Classification: Likely pathogenic for Familial hypokalemia-hypomagnesemia. Review status: criteria provided, single submitter. Criteria: ACMG Guidelines, 2015. Collection method: clinical testing. Allele origin: germline. Inheritance: Autosomal recessive inheritance. Affected: yes.
Comment: The SLC12A3 gene c.2549-18G>A is a splicing variant. This mutation was not found in the reference population's 1000 genome (1000G), with frequencies of 0.000050 and 4.13e-5 in the Human Exon Database (ExAC) and the Population Genome Mutation Frequency Database (gnomAD), respectively; The SpliceAI software predicts that this mutation may affect splicing. Pathogenic variant c.179C>T(p.Thr60Met) was detected at the trans position. The variant corresponds to a disease that matches the phenotype of this case; According to the ACMG guidelines, this mutation was identified as a suspected pathogenic variant (PM2S++PM3+PP3+PP4).

NM_001126108.2(SLC12A3):c.2522-18G>A

Gene: SLC12A3 (solute carrier family 12 member 3; plus strand). Cytogenetic location: 16q13.
Variant type: single nucleotide variant.
Coding change: c.2522-18G>A on transcript NM_001126108.2 (MANE Select); 18 bases into the intron before coding-DNA position 2522, G replaced by A.
Molecular consequence: intron variant.
Genome position (GRCh38, 1-based): chr16:56,894,513, G>A. VCF-style: chr16-56894513-G-A. GRCh37 (hg19) VCF-style: chr16-56928425-G-A.
Other names: c.2549-18G>A (NM_000339.3); c.2546-18G>A (NM_001126107.2); c.2519-18G>A (NM_001410896.1).
Identifiers: ClinVar variation 2502436 (VCV002502436.5), dbSNP rs774278391, ClinGen allele CA8069955.